The following is an entry in ClinVar:

NM_147686.4(TRAF3IP2):c.1044_1084del (p.Pro349fs)

Genes: TRAF3IP2 (TRAF3 interacting protein 2; minus strand), TRAF3IP2-AS1 (TRAF3IP2 antisense RNA 1; plus strand). Cytogenetic location: 6q21.
Variant type: Deletion.
Coding change: c.1044_1084del on transcript NM_147686.4 (MANE Select); coding-DNA positions 1044 to 1084, 41 bases deleted.
Protein change: p.Pro349fs; shifts the reading frame from proline 349.
Molecular consequence: frameshift variant.
Genome position (GRCh38, 1-based): chr6:111,575,760-111,575,800, 41 bases deleted; deleting any 41 consecutive bases within chr6:111,575,760-111,575,803 gives the same sequence; the c. name uses the placement nearest the transcript's 3' end. GRCh37 (hg19): chr6:111,896,966-111,897,006.
Other names: c.1044_1084del, p.Pro349fs (NM_001164281.3); c.1071_1111del, p.Pro358fs (NM_147200.3); short protein forms P349fs, P358fs.
Identifiers: ClinVar variation 658088 (VCV000658088.6), dbSNP rs1583225922, ClinGen allele CA915942778.
Genomic context (GRCh38, chr6:111,575,759, plus strand): 5'-GGGGGTCTAGGCACAGCAGCTGGGGACGGAGGCTGGGGAACCTGTGGTCTCAGCTCTGCA[GGGCACTCCAAGGACTCCCCAGGAGCACCAGCTCTATTAGGT>G]GGCTGGTGATGTGGCTGGTCCCTAGAAAGGAATACATTTACAGTCAATTTTCATTCTTTA-3'

ClinVar aggregate classification (germline): Pathogenic (1 of 4 stars; one submission).

Conditions:
Candidiasis, familial, 8 (CANDF8). Identifiers: Orphanet 1334, MedGen C3714992, MONDO:0014230, OMIM 615527.

Submission:

Labcorp Genetics (formerly Invitae), Labcorp
Classification: Pathogenic for Candidiasis, familial, 8. Last evaluated: 2022-09-19. Review status: criteria provided, single submitter. Criteria: Invitae Variant Classification Sherloc (09022015). Collection method: clinical testing. Allele origin: germline.
Comment: ClinVar contains an entry for this variant (Variation ID: 658088). This sequence change creates a premature translational stop signal (p.Pro349Cysfs*18) in the TRAF3IP2 gene. It is expected to result in an absent or disrupted protein product. Loss-of-function variants in TRAF3IP2 are known to be pathogenic (PMID: 24120361). This variant is not present in population databases (gnomAD no frequency). This variant has not been reported in the literature in individuals affected with TRAF3IP2-related conditions. For these reasons, this variant has been classified as Pathogenic.

Literature cited by the submitters: PubMed 24120361.